The following is an entry in ClinVar:

NM_006904.7(PRKDC):c.38T>A (p.Leu13Gln)

Genes: PRKDC (protein kinase, DNA-activated, catalytic subunit; minus strand), LOC129929030 (ATAC-STARR-seq lymphoblastoid silent region 19177; plus strand). Cytogenetic location: 8q11.21.
Variant type: single nucleotide variant.
Coding change: c.38T>A on transcript NM_006904.7 (MANE Select); coding-DNA position 38, T replaced by A.
Protein change: p.Leu13Gln; replaces leucine 13 with glutamine.
Molecular consequence: missense variant.
Genome position (GRCh38, 1-based): chr8:47,960,089, A>T on the plus strand (T>A on the coding strand, the complement: PRKDC is on the minus strand). VCF-style: chr8-47960089-A-T. GRCh37 (hg19) VCF-style: chr8-48872649-A-T.
Other names: c.38T>A, p.Leu13Gln (NM_001081640.2); short protein forms L13Q.
Identifiers: ClinVar variation 3310060 (VCV003310060.1).

ClinVar aggregate classification (germline): Uncertain significance (1 of 4 stars; one submission).

gnomAD v4.1: 2 of 1,529,120 alleles (0.00013%); highest among the groups gnomAD compares: African/African-American, 0.0014%; no homozygotes.

Submission:

Ambry Genetics
Classification: Uncertain significance. Last evaluated: 2024-03-28. Review status: criteria provided, single submitter. Criteria: Ambry Variant Classification Scheme 2023. Collection method: clinical testing. Allele origin: germline.
Comment: The p.L13Q variant (also known as c.38T>A), located in coding exon 1 of the PRKDC gene, results from a T to A substitution at nucleotide position 38. The leucine at codon 13 is replaced by glutamine, an amino acid with dissimilar properties. This amino acid position is conserved. In addition, this alteration is predicted to be tolerated by in silico analysis. Based on the available evidence, the clinical significance of this alteration remains unclear.